The following is an entry in ClinVar:

NM_024675.4(PALB2):c.297A>G (p.Thr99=)

Gene: PALB2 (partner and localizer of BRCA2; minus strand). Cytogenetic location: 16p12.2.
Variant type: single nucleotide variant.
Coding change: c.297A>G on transcript NM_024675.4 (MANE Select); coding-DNA position 297, A replaced by G.
Protein change: p.Thr99=; no amino-acid change (threonine 99 retained).
Molecular consequence: synonymous variant.
Genome position (GRCh38, 1-based): chr16:23,636,249, T>C on the plus strand (A>G on the coding strand, the complement: PALB2 is on the minus strand). VCF-style: chr16-23636249-T-C. GRCh37 (hg19) VCF-style: chr16-23647570-T-C.
Identifiers: ClinVar variation 389716 (VCV000389716.18), dbSNP rs1057523513, ClinGen allele CA16607346.

ClinVar aggregate classification (germline): Benign/Likely benign. Review status: criteria provided, multiple submitters, no conflicts (2 of 4 stars). 4 submissions from 4 submitters: Benign (1); Likely benign (3). Last evaluated 2025-01-10.

Conditions:
Familial cancer of breast. Also called: Hereditary breast cancer; hereditary breast carcinoma; BREAST CANCER, FAMILIAL. Identifiers: Orphanet 227535, MedGen C0346153, MONDO:0016419, OMIM 114480. Disease mechanism: loss of function.
Hereditary cancer-predisposing syndrome. Also called: Hereditary Cancer Syndrome; Hereditary neoplastic syndrome; Neoplastic Syndromes, Hereditary; Tumor predisposition. Identifiers: Orphanet 140162, MedGen C0027672, MeSH D009386, MONDO:0015356.

Allele frequency attached by ClinVar (database versions not stated): gnomAD exomes below 0.00001.
gnomAD v4.1: 1 of 1,613,824 alleles (0.000062%); highest among the groups gnomAD compares: Non-Finnish European, 0.000085%; no homozygotes.

Submissions (4):

Myriad Genetics, Inc.
Classification: Benign for Familial cancer of breast. Last evaluated: 2025-01-10. Review status: criteria provided, single submitter. Criteria: Myriad Autosomal Dominant, Autosomal Recessive and X-Linked Classification Criteria (2023). Collection method: clinical testing. Allele origin: unknown.
Comment: This variant is considered benign. This variant is a silent/synonymous amino acid change and it is not expected to impact splicing.

Labcorp Genetics (formerly Invitae), Labcorp
Classification: Likely benign for Familial cancer of breast. Last evaluated: 2023-02-14. Review status: criteria provided, single submitter. Criteria: Invitae Variant Classification Sherloc (09022015). Collection method: clinical testing. Allele origin: germline.

Ambry Genetics
Classification: Likely benign for Hereditary cancer-predisposing syndrome. Last evaluated: 2019-04-19. Review status: criteria provided, single submitter. Criteria: Ambry Variant Classification Scheme 2023. Collection method: clinical testing. Allele origin: germline.

GeneDx
Classification: Likely benign. Last evaluated: 2016-09-28. Review status: criteria provided, single submitter. Criteria: GeneDx Variant Classification (06012015). Collection method: clinical testing. Allele origin: germline. Affected: yes.
Comment: This variant is considered likely benign or benign based on one or more of the following criteria: it is a conservative change, it occurs at a poorly conserved position in the protein, it is predicted to be benign by multiple in silico algorithms, and/or has population frequency not consistent with disease.